The following is an entry in ClinVar:

NM_001382391.1(CSPP1):c.2772G>A (p.Glu924=)

Gene: CSPP1 (centrosome and spindle pole associated protein 1; plus strand). Cytogenetic location: 8q13.2.
Variant type: single nucleotide variant.
Coding change: c.2772G>A on transcript NM_001382391.1 (MANE Select); coding-DNA position 2772, G replaced by A.
Protein change: p.Glu924=; no amino-acid change (glutamic acid 924 retained).
Molecular consequence: synonymous variant.
Genome position (GRCh38, 1-based): chr8:67,164,452, G>A. VCF-style: chr8-67164452-G-A. GRCh37 (hg19) VCF-style: chr8-68076687-G-A.
Other names: c.1722G>A, p.Glu574= (NM_001291339.2); c.2691G>A, p.Glu897= (NM_001363131.2); c.2577G>A, p.Glu859= (NM_001363132.2); c.2496G>A, p.Glu832= (NM_001363133.2); c.2838G>A, p.Glu946= (NM_001364869.1); c.2658G>A, p.Glu886= (NM_001364870.1); c.2757G>A, p.Glu919= (NM_024790.7).
Identifiers: ClinVar variation 1121360 (VCV001121360.33), dbSNP rs369933035, ClinGen allele CA4770937.

ClinVar aggregate classification (germline): Likely benign. Review status: criteria provided, multiple submitters, no conflicts (2 of 4 stars). 3 submissions from 3 submitters: Likely benign (3). Last evaluated 2026-01-05.

Conditions:
Joubert syndrome 21 (JBTS21). Identifiers: MedGen C3810212, MONDO:0014288, OMIM 615636.

Allele frequency attached by ClinVar (database versions not stated): TOPMed 0.00002; gnomAD 0.00004; ESP Exome Variant Server 0.00008; gnomAD exomes 0.00012; 1000 Genomes Project 30x 0.00016; 1000 Genomes Project 0.00020; ExAC 0.00020.
gnomAD v4.1: 106 of 1,609,212 alleles (0.0066%); highest among the groups gnomAD compares: South Asian, 0.079%; 2 homozygotes.

Submissions (3):

Labcorp Genetics (formerly Invitae), Labcorp
Classification: Likely benign for Joubert syndrome 21. Last evaluated: 2026-01-05. Review status: criteria provided, single submitter. Criteria: Invitae Variant Classification Sherloc (09022015). Collection method: clinical testing. Allele origin: germline.

Blueprint Genetics
Classification: Likely benign. Last evaluated: 2024-05-31. Review status: criteria provided, single submitter. Criteria: ACMG Guidelines, 2015. Collection method: clinical testing. Allele origin: germline.

CeGaT Center for Human Genetics Tuebingen
Classification: Likely benign. Last evaluated: 2023-10-01. Review status: criteria provided, single submitter. Criteria: CeGaT Center For Human Genetics Tuebingen Variant Classification Criteria Version 2. Collection method: clinical testing. Allele origin: germline. Affected: yes. Observed: 1 variant allele.
Comment: CSPP1: BP4, BP7